The following is an entry in ClinVar:

ClinVar aggregate classification (germline): Likely benign (1 of 4 stars; one submission).

Allele frequency attached by ClinVar (database versions not stated): TOPMed below 0.00001 and 0.00001; gnomAD 0.00001.
gnomAD v4.1: 6 of 1,613,842 alleles (0.00037%); highest among the groups gnomAD compares: Non-Finnish European, 0.00051%; no homozygotes.

Submission:

GeneDx
Classification: Likely benign. Last evaluated: 2017-06-28. Review status: criteria provided, single submitter. Criteria: GeneDx Variant Classification (06012015). Collection method: clinical testing. Allele origin: germline. Affected: yes.
Comment: This variant is considered likely benign or benign based on one or more of the following criteria: it is a conservative change, it occurs at a poorly conserved position in the protein, it is predicted to be benign by multiple in silico algorithms, and/or has population frequency not consistent with disease.

NM_020117.11(LARS1):c.1188C>T (p.Ser396=)

Gene: LARS1 (leucyl-tRNA synthetase 1; minus strand). Cytogenetic location: 5q32.
Variant type: single nucleotide variant.
Coding change: c.1188C>T on transcript NM_020117.11 (MANE Select); coding-DNA position 1188, C replaced by T.
Protein change: p.Ser396=; no amino-acid change (serine 396 retained).
Molecular consequence: synonymous variant.
Genome position (GRCh38, 1-based): chr5:146,153,776, G>A on the plus strand (C>T on the coding strand, the complement: LARS1 is on the minus strand). VCF-style: chr5-146153776-G-A. GRCh37 (hg19) VCF-style: chr5-145533339-G-A.
Other names: c.1050C>T, p.Ser350= (NM_001317964.2); c.1026C>T, p.Ser342= (NM_001317965.2); c.1107C>T, p.Ser369= (NM_016460.4).
Identifiers: ClinVar variation 510285 (VCV000510285.1), dbSNP rs1299324954, ClinGen allele CA446920113.